The following is an entry in ClinVar:

NM_000179.3(MSH6):c.3812dup (p.Glu1272fs)

Gene: MSH6 (mutS homolog 6; plus strand). Cytogenetic location: 2p16.3.
Variant type: Duplication.
Coding change: c.3812dup on transcript NM_000179.3 (MANE Select); coding-DNA position 3812, one base duplicated (T; older notation c.3812dupT).
Protein change: p.Glu1272fs; shifts the reading frame from glutamic acid 1272.
Molecular consequence: frameshift variant. On other transcripts: non-coding transcript variant (5), intron variant (2).
Genome position (GRCh38, 1-based): chr2:47,806,462, T duplicated. VCF-style (leftmost placement, unchanged base first): chr2-47806461-G-GT. GRCh37 (hg19) VCF-style: chr2-48033600-G-GT.
Other names: c.3515dup, p.Glu1173fs (NM_001406827.1, NM_001406828.1, NM_001406830.1 and 10 more transcripts); c.2906dup, p.Glu970fs (NM_001406829.1, NM_001281493.2, NM_001281494.2 and 6 more transcripts); c.593dup, p.Glu199fs (NM_001406831.1); c.659dup, p.Glu221fs (NM_001406832.1); c.1757dup, p.Glu587fs (NM_001407362.1); c.3897+104dup (NM_001406802.1); c.3802-3dup (NM_001406800.1); c.3422dup, p.Glu1142fs (NM_001281492.2); and 9 more; short protein forms E1097fs, E1142fs, E1173fs, E1214fs, E1216fs, E1246fs, E1272fs, E1274fs.
Identifiers: ClinVar variation 2673768 (VCV002673768.2), dbSNP rs2530855291, ClinGen allele CA2695200627.

ClinVar aggregate classification (germline): Pathogenic. Review status: criteria provided, multiple submitters, no conflicts (2 of 4 stars). 2 submissions from 2 submitters: Pathogenic (2). Last evaluated 2024-09-09.

Conditions:
Hereditary cancer-predisposing syndrome. Also called: Tumor predisposition; Hereditary neoplastic syndrome; Neoplastic Syndromes, Hereditary; Hereditary Cancer Syndrome. Identifiers: Orphanet 140162, MedGen C0027672, MeSH D009386, MONDO:0015356.
Lynch syndrome 5 (LYNCH5). Also called: Colorectal cancer, hereditary nonpolyposis, type 5; Hereditary non-polyposis colorectal cancer, type 5. Identifiers: Orphanet 144, MedGen C1833477, MONDO:0013710, OMIM 614350. Disease mechanism: loss of function.

Submissions (2):

Color Diagnostics, LLC DBA Color Health
Classification: Pathogenic for Hereditary cancer-predisposing syndrome. Last evaluated: 2024-09-09. Review status: criteria provided, single submitter. Criteria: ACMG Guidelines, 2015. Collection method: clinical testing. Allele origin: germline.
Comment: This variant inserts 1 nucleotide in exon 9 of the MSH6 gene, creating a frameshift and premature translation stop signal. This variant is expected to result in an absent or non-functional protein product. To our knowledge, this variant has not been reported in individuals affected with MSH6-related disorders in the literature. This variant has not been identified in the general population by the Genome Aggregation Database (gnomAD). Loss of MSH6 function is a known mechanism of disease. Based on the available evidence, this variant is classified as Pathogenic.

Myriad Genetics, Inc.
Classification: Pathogenic for Lynch syndrome 5. Last evaluated: 2023-08-25. Review status: criteria provided, single submitter. Criteria: Myriad Autosomal Dominant, Autosomal Recessive and X-Linked Classification Criteria (2023). Collection method: clinical testing. Allele origin: unknown.
Comment: This variant is considered pathogenic. This variant creates a frameshift predicted to result in premature protein truncation.